The following is an entry in ClinVar:

NM_001376.5(DYNC1H1):c.5155G>A (p.Glu1719Lys)

Gene: DYNC1H1 (dynein cytoplasmic 1 heavy chain 1; plus strand). Cytogenetic location: 14q32.31.
Variant type: single nucleotide variant.
Coding change: c.5155G>A on transcript NM_001376.5 (MANE Select); coding-DNA position 5155, G replaced by A.
Protein change: p.Glu1719Lys; replaces glutamic acid 1719 with lysine.
Molecular consequence: missense variant.
Genome position (GRCh38, 1-based): chr14:102,004,867, G>A. VCF-style: chr14-102004867-G-A. GRCh37 (hg19) VCF-style: chr14-102471204-G-A.
Other names: short protein forms E1719K.
Identifiers: ClinVar variation 472539 (VCV000472539.8), dbSNP rs1555409562, ClinGen allele CA391045499.

ClinVar aggregate classification (germline): Uncertain significance (1 of 4 stars; one submission).

Conditions:
Charcot-Marie-Tooth disease axonal type 2O. Also called: CHARCOT-MARIE-TOOTH NEUROPATHY, AXONAL, TYPE 2O; CHARCOT-MARIE-TOOTH DISEASE, AXONAL, AUTOSOMAL DOMINANT, TYPE 2O; Charcot-Marie-Tooth Neuropathy Type 2O; Charcot-Marie-Tooth disease, axonal, type 20. Identifiers: Orphanet 284232, MedGen C3280220, MONDO:0013644, OMIM 614228.

Allele frequency attached by ClinVar (database versions not stated): gnomAD 0.00001.
gnomAD v4.1: 2 of 1,614,126 alleles (0.00012%); highest among the groups gnomAD compares: Admixed American, 0.0017%; no homozygotes.

Submission:

Labcorp Genetics (formerly Invitae), Labcorp
Classification: Uncertain significance for Charcot-Marie-Tooth disease axonal type 2O. Last evaluated: 2020-02-17. Review status: criteria provided, single submitter. Criteria: Invitae Variant Classification Sherloc (09022015). Collection method: clinical testing. Allele origin: germline.
Comment: Algorithms developed to predict the effect of missense changes on protein structure and function (SIFT, PolyPhen-2, Align-GVGD) all suggest that this variant is likely to be tolerated, but these predictions have not been confirmed by published functional studies. In summary, this variant is a novel missense change that is not predicted to affect protein function. There is no indication that it causes disease, but the available evidence is currently insufficient to prove that conclusively. Therefore, it has been classified as a Variant of Uncertain Significance. This variant is not present in population databases (ExAC no frequency) and has not been reported in the literature in individuals with a DYNC1H1-related disease. This sequence change replaces glutamic acid with lysine at codon 1719 of the DYNC1H1 protein (p.Glu1719Lys). The glutamic acid residue is moderately conserved and there is a small physicochemical difference between glutamic acid and lysine.